The following is an entry in ClinVar:

NM_020207.7(ERCC6L2):c.170C>T (p.Ala57Val)

Gene: ERCC6L2 (ERCC excision repair 6 like 2; plus strand). Cytogenetic location: 9q22.32.
Variant type: single nucleotide variant.
Coding change: c.170C>T on transcript NM_020207.7 (MANE Select); coding-DNA position 170, C replaced by T.
Protein change: p.Ala57Val; replaces alanine 57 with valine.
Molecular consequence: missense variant. On other transcripts: non-coding transcript variant (1).
Genome position (GRCh38, 1-based): chr9:95,880,992, C>T. VCF-style: chr9-95880992-C-T. GRCh37 (hg19) VCF-style: chr9-98643274-C-T.
Other names: c.170C>T, p.Ala57Val (NM_001010895.4, NM_001375291.1, NM_001375292.1 and 2 more transcripts); short protein forms A57V.
Identifiers: ClinVar variation 4844039 (VCV004844039.1).

ClinVar aggregate classification (germline): Uncertain significance (1 of 4 stars; one submission).

Conditions:
Inborn genetic diseases. Identifiers: MedGen C0950123, MeSH D030342.

Submission:

Ambry Genetics
Classification: Uncertain significance for Inborn genetic diseases. Last evaluated: 2025-12-17. Review status: criteria provided, single submitter. Criteria: Ambry Variant Classification Scheme 2023. Collection method: clinical testing. Allele origin: germline.
Comment: The p.A57V variant (also known as c.170C>T), located in coding exon 2 of the ERCC6L2 gene, results from a C to T substitution at nucleotide position 170. The alanine at codon 57 is replaced by valine, an amino acid with similar properties. This amino acid position is conserved. In addition, this alteration is predicted to be tolerated by in silico analysis. Based on the available evidence, the clinical significance of this variant remains unclear.